The following is an entry in ClinVar:

NM_000059.4(BRCA2):c.8090G>C (p.Ser2697Thr)

Gene: BRCA2 (BRCA2 DNA repair associated; plus strand). Cytogenetic location: 13q13.1.
Variant type: single nucleotide variant.
Coding change: c.8090G>C on transcript NM_000059.4 (MANE Select); coding-DNA position 8090, G replaced by C.
Protein change: p.Ser2697Thr; replaces serine 2697 with threonine.
Molecular consequence: missense variant.
Genome position (GRCh38, 1-based): chr13:32,363,292, G>C. VCF-style: chr13-32363292-G-C. GRCh37 (hg19) VCF-style: chr13-32937429-G-C.
Other names: short protein forms S2697T.
Identifiers: ClinVar variation 1331981 (VCV001331981.3), dbSNP rs80359051, ClinGen allele CA387749265.

ClinVar aggregate classification (germline): Uncertain significance. Review status: criteria provided, multiple submitters, no conflicts (2 of 4 stars). 2 submissions from 2 submitters: Uncertain significance (2). Last evaluated 2025-09-19.

Conditions:
Hereditary cancer-predisposing syndrome. Also called: Tumor predisposition; Hereditary Cancer Syndrome; Neoplastic Syndromes, Hereditary; Hereditary neoplastic syndrome. Identifiers: Orphanet 140162, MedGen C0027672, MeSH D009386, MONDO:0015356.
Hereditary breast ovarian cancer syndrome. Also called: Hereditary breast and ovarian cancer syndrome; Hereditary breast and ovarian cancer; Hereditary breast and ovarian cancer syndrome (HBOC); Hereditary breast and/or ovarian cancer syndrome; Breast and ovarian cancer; BRCA1- and BRCA2-Associated Hereditary Breast and Ovarian Cancer. Identifiers: Orphanet 145, MedGen C0677776, MeSH D061325, MONDO:0003582. Disease mechanism: loss of function.

Submissions (2):

Labcorp Genetics (formerly Invitae), Labcorp
Classification: Uncertain significance for Hereditary breast ovarian cancer syndrome. Last evaluated: 2025-09-19. Review status: criteria provided, single submitter. Criteria: Invitae Variant Classification Sherloc (09022015). Collection method: clinical testing. Allele origin: germline.
Comment: This sequence change replaces serine, which is neutral and polar, with threonine, which is neutral and polar, at codon 2697 of the BRCA2 protein (p.Ser2697Thr). This variant is not present in population databases (gnomAD no frequency). This variant has not been reported in the literature in individuals affected with BRCA2-related conditions. ClinVar contains an entry for this variant (Variation ID: 1331981). Invitae Evidence Modeling of protein sequence and biophysical properties (such as structural, functional, and spatial information, amino acid conservation, physicochemical variation, residue mobility, and thermodynamic stability) indicates that this missense variant is not expected to disrupt BRCA2 protein function with a negative predictive value of 95%. In summary, the available evidence is currently insufficient to determine the role of this variant in disease. Therefore, it has been classified as a Variant of Uncertain Significance.

Color Diagnostics, LLC DBA Color Health
Classification: Uncertain significance for Hereditary cancer-predisposing syndrome. Last evaluated: 2021-02-16. Review status: criteria provided, single submitter. Criteria: ACMG Guidelines, 2015. Collection method: clinical testing. Allele origin: germline.
Comment: This missense variant replaces serine with threonine at codon 2697 of the BRCA2 protein. Computational prediction suggests that this variant may not impact protein structure and function (internally defined REVEL score threshold <= 0.5, PMID: 27666373). To our knowledge, functional studies have not been reported for this variant. This variant has not been reported in individuals affected with hereditary cancer in the literature. This variant has not been identified in the general population by the Genome Aggregation Database (gnomAD). The available evidence is insufficient to determine the role of this variant in disease conclusively. Therefore, this variant is classified as a Variant of Uncertain Significance.